The following is an entry in ClinVar:

ClinVar aggregate classification (germline): Uncertain significance (1 of 4 stars; one submission).

Conditions:
Central core myopathy (CMYO1A). Also called: CONGENITAL MYOPATHY 1A, AUTOSOMAL DOMINANT, WITH SUSCEPTIBILITY TO MALIGNANT HYPERTHERMIA; Central core disease; Myopathy, central fibrillar. Identifiers: Orphanet 597, MedGen C5830701, MONDO:0007294, OMIM 117000.

Submission:

Institute of Human Genetics, University of Goettingen
Classification: Uncertain significance for Central core myopathy. Last evaluated: 2024-07-23. Review status: criteria provided, single submitter. Criteria: ACMG Guidelines, 2015. Collection method: clinical testing. Allele origin: unknown. Inheritance: Sporadic. Affected: yes.
Comment: PM2; PP3

NM_000540.3(RYR1):c.11524G>C (p.Asp3842His)

Gene: RYR1 (ryanodine receptor 1; plus strand). Cytogenetic location: 19q13.2.
Variant type: single nucleotide variant.
Coding change: c.11524G>C on transcript NM_000540.3 (MANE Select); coding-DNA position 11524, G replaced by C.
Protein change: p.Asp3842His; replaces aspartic acid 3842 with histidine.
Molecular consequence: missense variant.
Genome position (GRCh38, 1-based): chr19:38,536,004, G>C. VCF-style: chr19-38536004-G-C. GRCh37 (hg19) VCF-style: chr19-39026644-G-C.
Other names: c.11509G>C, p.Asp3837His (NM_001042723.2); short protein forms D3837H, D3842H.
Identifiers: ClinVar variation 3255507 (VCV003255507.2), dbSNP rs2514535552.